The following is an entry in ClinVar:

ClinVar aggregate classification (germline): Uncertain significance (1 of 4 stars; one submission).

Conditions:
Autism, susceptibility to, X-linked 1 (AUTSX1). Also called: Autism susceptibility, X-linked 1. Identifiers: MedGen C1845540, MONDO:0010321, OMIM 300425.

Submission:

Dasa
Classification: Uncertain significance for Autism, susceptibility to, X-linked 1. Last evaluated: 2025-07-29. Review status: criteria provided, single submitter. Criteria: DASA Assertion Criteria. Collection method: clinical testing. Allele origin: germline.
Comment: NM_181303.2(NLGN3):c.1759C>T (p.Arg587Cys) is a missense variant that results in the substitution of arginine with cysteine. This variant is rare in population databases. The currently available literature and clinical evidence are not sufficient to establish a definitive association between this variant and the reported condition. Therefore, this variant is classified as a variant of uncertain significance.

NM_181303.2(NLGN3):c.1759C>T (p.Arg587Cys)

Gene: NLGN3 (neuroligin 3; plus strand). Cytogenetic location: Xq13.1.
Variant type: single nucleotide variant.
Coding change: c.1759C>T on transcript NM_181303.2 (MANE Select); coding-DNA position 1759, C replaced by T.
Protein change: p.Arg587Cys; replaces arginine 587 with cysteine.
Molecular consequence: missense variant.
Genome position (GRCh38, 1-based): chrX:71,169,309, C>T. VCF-style: chrX-71169309-C-T. GRCh37 (hg19) VCF-style: chrX-70389159-C-T.
Other names: c.1639C>T, p.Arg547Cys (NM_001166660.2); c.1348C>T, p.Arg450Cys (NM_001321276.2, NM_001438298.1); c.1408C>T, p.Arg470Cys (NM_001437941.1, NM_001438296.1); c.1699C>T, p.Arg567Cys (NM_018977.4); short protein forms R450C, R470C, R547C, R567C, R587C.
Identifiers: ClinVar variation 4882288 (VCV004882288.2).